The following is an entry in ClinVar:

NM_001001331.4(ATP2B2):c.1342G>A (p.Val448Met)

Gene: ATP2B2 (ATPase plasma membrane Ca2+ transporting 2; minus strand). Cytogenetic location: 3p25.3.
Variant type: single nucleotide variant.
Coding change: c.1342G>A on transcript NM_001001331.4 (MANE Select); coding-DNA position 1342, G replaced by A.
Protein change: p.Val448Met; replaces valine 448 with methionine.
Molecular consequence: missense variant.
Genome position (GRCh38, 1-based): chr3:10,375,504, C>T on the plus strand (G>A on the coding strand, the complement: ATP2B2 is on the minus strand). VCF-style: chr3-10375504-C-T. GRCh37 (hg19) VCF-style: chr3-10417188-C-T.
Other names: c.1207G>A, p.Val403Met (NM_001353564.1, NM_001363862.1, NM_001683.5 and 1 more transcripts); short protein forms V448M, V403M.
Identifiers: ClinVar variation 2903347 (VCV002903347.3), dbSNP rs1276448598, ClinGen allele CA351784367.

ClinVar aggregate classification (germline): Uncertain significance (1 of 4 stars; one submission).

Allele frequency attached by ClinVar (database versions not stated): TOPMed 0.00001; gnomAD 0.00001.
gnomAD v4.1: 15 of 1,613,642 alleles (0.00093%); highest among the groups gnomAD compares: Non-Finnish European, 0.0013%; no homozygotes.

Submission:

Labcorp Genetics (formerly Invitae), Labcorp
Classification: Uncertain significance. Last evaluated: 2025-03-17. Review status: criteria provided, single submitter. Criteria: Invitae Variant Classification Sherloc (09022015). Collection method: clinical testing. Allele origin: germline.
Comment: This sequence change replaces valine, which is neutral and non-polar, with methionine, which is neutral and non-polar, at codon 403 of the ATP2B2 protein (p.Val403Met). This variant is present in population databases (no rsID available, gnomAD 0.0009%). This variant has not been reported in the literature in individuals affected with ATP2B2-related conditions. ClinVar contains an entry for this variant (Variation ID: 2903347). Invitae Evidence Modeling of protein sequence and biophysical properties (such as structural, functional, and spatial information, amino acid conservation, physicochemical variation, residue mobility, and thermodynamic stability) indicates that this missense variant is not expected to disrupt ATP2B2 protein function with a negative predictive value of 80%. In summary, the available evidence is currently insufficient to determine the role of this variant in disease. Therefore, it has been classified as a Variant of Uncertain Significance.